The following is an entry in ClinVar:

NM_002460.4(IRF4):c.562C>T (p.Pro188Ser)

Gene: IRF4 (interferon regulatory factor 4; plus strand). Cytogenetic location: 6p25.3.
Variant type: single nucleotide variant.
Coding change: c.562C>T on transcript NM_002460.4 (MANE Select); coding-DNA position 562, C replaced by T.
Protein change: p.Pro188Ser; replaces proline 188 with serine.
Molecular consequence: missense variant. On other transcripts: non-coding transcript variant (1).
Genome position (GRCh38, 1-based): chr6:397,177, C>T. VCF-style: chr6-397177-C-T. GRCh37 (hg19) VCF-style: chr6-397177-C-T.
Other names: c.559C>T, p.Pro187Ser (NM_001195286.2); c.562C>T (NM_002460.3); short protein forms P187S, P188S.
Identifiers: ClinVar variation 2869301 (VCV002869301.4), dbSNP rs1761287286, ClinGen allele CA362547524.

ClinVar aggregate classification (germline): Uncertain significance. Review status: criteria provided, multiple submitters, no conflicts (2 of 4 stars). 2 submissions from 2 submitters: Uncertain significance (2). Last evaluated 2025-03-08.

Allele frequency attached by ClinVar (database versions not stated): gnomAD exomes below 0.00001.
gnomAD v4.1: 5 of 1,614,286 alleles (0.00031%); highest among the groups gnomAD compares: Admixed American, 0.0017%; no homozygotes.

Submissions (2):

Ambry Genetics
Classification: Uncertain significance. Last evaluated: 2025-03-08. Review status: criteria provided, single submitter. Criteria: Ambry Variant Classification Scheme 2023. Collection method: clinical testing. Allele origin: germline.

Labcorp Genetics (formerly Invitae), Labcorp
Classification: Uncertain significance. Last evaluated: 2025-01-29. Review status: criteria provided, single submitter. Criteria: Invitae Variant Classification Sherloc (09022015). Collection method: clinical testing. Allele origin: germline.
Comment: This sequence change replaces proline, which is neutral and non-polar, with serine, which is neutral and polar, at codon 188 of the IRF4 protein (p.Pro188Ser). This variant is not present in population databases (gnomAD no frequency). This variant has not been reported in the literature in individuals affected with IRF4-related conditions. ClinVar contains an entry for this variant (Variation ID: 2869301). An algorithm developed to predict the effect of missense changes on protein structure and function outputs the following: PolyPhen-2: "Benign". The serine amino acid residue is found in multiple mammalian species, which suggests that this missense change does not adversely affect protein function. In summary, the available evidence is currently insufficient to determine the role of this variant in disease. Therefore, it has been classified as a Variant of Uncertain Significance.